The following is an entry in ClinVar:

ClinVar aggregate classification (germline): Likely benign. Review status: reviewed by expert panel (3 of 4 stars). 10 submissions from 10 submitters: Likely benign (1). 9 of the submissions do not count toward it. Last evaluated 2025-05-21.

Conditions:
Usher syndrome. Also called: Usher Syndromes; Usher's syndrome. Identifiers: Orphanet 886, MedGen CN469326, MeSH D052245, MONDO:0019501. Disease mechanism: loss of function.
Retinitis pigmentosa (RP). Identifiers: Orphanet 791, MedGen C0035334, MeSH D012174, MONDO:0019200, OMIM 268000. Inheritance: Autosomal dominant, autosomal recessive and X linked inheritance.
Retinitis pigmentosa 39 (RP39). Identifiers: Orphanet 791, MedGen C3151138, MONDO:0013436, OMIM 613809.
Usher syndrome type 2A. Also called: USHER SYNDROME, TYPE IIA; RETINAL DISEASE IN USHER SYNDROME TYPE IIA, MODIFIER OF. Identifiers: Orphanet 231178, Orphanet 886, MedGen C1848634, MONDO:0010169, OMIM 276901.
USH2A-related disorder. Also called: USH2A-related condition; USH2A-related disorders. Identifiers: MedGen CN239332.

Allele frequency attached by ClinVar (database versions not stated): gnomAD exomes 0.00009 and 0.00026; ExAC 0.00032; ESP Exome Variant Server 0.00115; gnomAD 0.00117 and 0.00122; TOPMed 0.00117; 1000 Genomes Project 0.00140; 1000 Genomes Project 30x 0.00187.
gnomAD v4.1: 313 of 1,614,070 alleles (0.019%); highest among the groups gnomAD compares: African/African-American, 0.39%; 1 homozygote.

Submissions (10):

ClinGen Hearing Loss Variant Curation Expert Panel
Classification: Likely benign for Usher syndrome. Last evaluated: 2025-05-21. Review status: reviewed by expert panel. Criteria: Clingen Hl Acmg Specifications Cdh23 Coch Gjb2 Kcnq4 Myo6 Myo7a Slc26a4 Tecta Ush2a V2. Collection method: curation. Allele origin: germline. Inheritance: Autosomal recessive inheritance.
Comment: The c.14276G>A variant in USH2A is a missense variant predicted to cause substitution of glycine by glutamic acid at amino acid 4759 (p.Gly4759Glu). The filtering allele frequency (the lower threshold of the 95% CI of (295/75006) of this variant is 0.35% for African/African American chromosomes by gnomAD v4, which is higher than the ClinGen Hearing Loss VCEP threshold >0.3% for BS1, and therefore meets this criterion (BS1). It has been detected in at least 4 heterozygous individuals with clinical features of hearing loss or retinitis pigmentosa; however, given the allele frequency and lack of a second pathogenic variant in trans, no evidence is met (PS4/PM3 not met; SCV000204243.5, PMID 28041643). In summary, this variant has been classified as likely benign based on the ACMG/AMP criteria applied, as specified by the ClinGen Hearing Loss VCEP: BS1 (ClinGen Hearing Loss VCEP specifications version 2; 5/21/2025).

Labcorp Genetics (formerly Invitae), Labcorp
Classification: Likely benign. Last evaluated: 2026-01-26. Review status: criteria provided, single submitter. Criteria: Invitae Variant Classification Sherloc (09022015). Collection method: clinical testing. Allele origin: germline. Not counted in ClinVar's aggregate classification.

Blueprint Genetics
Classification: Likely benign. Last evaluated: 2024-09-18. Review status: criteria provided, single submitter. Criteria: ACMG Guidelines, 2015. Collection method: clinical testing. Allele origin: germline. Not counted in ClinVar's aggregate classification.

Women's Health and Genetics/Laboratory Corporation of America, LabCorp
Classification: Likely benign. Last evaluated: 2022-05-10. Review status: criteria provided, single submitter. Criteria: LabCorp Variant Classification Summary - May 2015. Collection method: clinical testing. Allele origin: germline. Not counted in ClinVar's aggregate classification.
Comment: Variant summary: USH2A c.14276G>A (p.Gly4759Glu) results in a non-conservative amino acid change located in the Fibronectin type III domain (IPR003961) of the encoded protein sequence. Four of five in-silico tools predict a benign effect of the variant on protein function. The variant allele was found at a frequency of 0.00026 in 251184 control chromosomes, predominantly at a frequency of 0.0038 within the African or African-American subpopulation in the gnomAD database. This frequency is not significantly higher than estimated for a pathogenic variant in USH2A causing Usher Syndrome (0.00026 vs 0.011), allowing no conclusion about variant significance. c.14276G>A has been reported in the literature as a non-informative genotype with three other missense variants in the USH2A gene (phase not specified) in at-least one individual of African ethnicity reportedly affected with with Retinitis Pigmentosa (RP) analyzed by whole genome sequencing (WGS) and reported as "Partially Solved" (example, Carrs_2017). These report(s) do not provide unequivocal conclusions about association of the variant with Usher Syndrome.To our knowledge, no experimental evidence demonstrating an impact on protein function has been reported. Five clinical diagnostic laboratories and the ClinGen Hearing Loss Variant Curation Expert Panel have submitted clinical-significance assessments for this variant to ClinVar after 2014 without evidence for independent evaluation. Multiple submitters reported the variant with conflicting assessments (VUS, n=4, likely benign, n=2 including the expert panel). Based on the evidence outlined above, the variant was classified as likely benign.

GeneDx
Classification: Uncertain significance. Last evaluated: 2020-11-19. Review status: criteria provided, single submitter. Criteria: GeneDx Variant Classification Process June 2021. Collection method: clinical testing. Allele origin: germline. Affected: yes. Not counted in ClinVar's aggregate classification.
Comment: Observed in a patient with retinitis pigmentosa in published literature (Carss et al., 2017); In silico analysis supports that this missense variant does not alter protein structure/function; This variant is associated with the following publications: (PMID: 28041643)

Laboratory for Molecular Medicine, Mass General Brigham Personalized Medicine
Classification: Likely benign. Last evaluated: 2013-04-05. Review status: criteria provided, single submitter. Criteria: LMM Criteria. Collection method: clinical testing. Allele origin: germline. Observed: 3 variant alleles. Not counted in ClinVar's aggregate classification.
Comment: The Gly4759Glu variant in USH2A: This variant is not expected to have clinical s ignificance because it has been identified in 0.34% (15/4406) of African America n chromosomes from a broad population by the NHLBI Exome Sequencing Project (dbSNP rs112459877).

PreventionGenetics, part of Exact Sciences
Classification: Likely benign for USH2A-related condition. Last evaluated: 2024-09-06. Review status: no assertion criteria provided. Collection method: clinical testing. Allele origin: germline. Not counted in ClinVar's aggregate classification.
Comment: This variant is classified as likely benign based on ACMG/AMP sequence variant interpretation guidelines (Richards et al. 2015 PMID: 25741868, with internal and published modifications).

Natera, Inc.
Classification: Uncertain significance for Usher syndrome type 2A. Last evaluated: 2020-02-12. Review status: no assertion criteria provided. Collection method: clinical testing. Allele origin: germline. Not counted in ClinVar's aggregate classification.

Counsyl
Classification: Uncertain significance for Usher syndrome type 2A; Retinitis pigmentosa 39. Last evaluated: 2017-10-10. Review status: no assertion criteria provided. Collection method: clinical testing. Allele origin: unknown. Not counted in ClinVar's aggregate classification.

NIHR Bioresource Rare Diseases, University of Cambridge
Classification: Uncertain significance for Retinitis pigmentosa. Last evaluated: 2015-01-01. Review status: no assertion criteria provided. Collection method: research. Allele origin: unknown. Affected: yes. Observed: 1 variant allele. Not counted in ClinVar's aggregate classification.

Literature cited by the submitters: PubMed 28041643 (cited by 3 submitters).

NM_206933.4(USH2A):c.14276G>A (p.Gly4759Glu)

Gene: USH2A (usherin; minus strand). Cytogenetic location: 1q41.
Variant type: single nucleotide variant.
Coding change: c.14276G>A on transcript NM_206933.4 (MANE Select); coding-DNA position 14276, G replaced by A.
Protein change: p.Gly4759Glu; replaces glycine 4759 with glutamic acid.
Molecular consequence: missense variant.
Genome position (GRCh38, 1-based): chr1:215,650,659, C>T on the plus strand (G>A on the coding strand, the complement: USH2A is on the minus strand). VCF-style: chr1-215650659-C-T. GRCh37 (hg19) VCF-style: chr1-215824001-C-T.
Other names: short protein forms G4759E.
Identifiers: ClinVar variation 177913 (VCV000177913.30), dbSNP rs112459877, ClinGen allele CA180987.